The following is an entry in ClinVar:

ClinVar aggregate classification (germline): Pathogenic (1 of 4 stars; one submission).

Conditions:
Retinoblastoma (RB1). Also called: RETINOBLASTOMA, SOMATIC. Identifiers: Orphanet 790, MedGen C0035335, MeSH D012175, MONDO:0008380, OMIM 180200, HP:0009919. Disease mechanism: loss of function. Inheritance: Both sporadic and heritable forms are tested..

Submission:

Labcorp Genetics (formerly Invitae), Labcorp
Classification: Pathogenic for Retinoblastoma. Last evaluated: 2025-09-10. Review status: criteria provided, single submitter. Criteria: Invitae Variant Classification Sherloc (09022015). Collection method: clinical testing. Allele origin: germline.
Comment: This sequence change creates a premature translational stop signal (p.Asn519Lysfs*4) in the RB1 gene. It is expected to result in an absent or disrupted protein product. Loss-of-function variants in RB1 are known to be pathogenic (PMID: 17096365). This variant is not present in population databases (gnomAD no frequency). This variant has not been reported in the literature in individuals affected with RB1-related conditions. For these reasons, this variant has been classified as Pathogenic.

Literature cited by the submitters: PubMed 17096365.

NM_000321.3(RB1):c.1556dup (p.Asn519fs)

Gene: RB1 (RB transcriptional corepressor 1; plus strand). Cytogenetic location: 13q14.2.
Variant type: Duplication.
Coding change: c.1556dup on transcript NM_000321.3 (MANE Select); coding-DNA position 1556, one base duplicated (A; older notation c.1556dupA).
Protein change: p.Asn519fs; shifts the reading frame from asparagine 519.
Molecular consequence: frameshift variant.
Genome position (GRCh38, 1-based): chr13:48,381,304, A duplicated; the last of 2 consecutive A bases (chr13:48,381,303-48,381,304); duplicating either gives the same sequence. VCF-style (leftmost placement, unchanged base first): chr13-48381302-G-GA. GRCh37 (hg19) VCF-style: chr13-48955438-G-GA.
Other names: c.1556dup, p.Asn519fs (NM_001407165.1, NM_001407166.1); short protein forms N519fs.
Identifiers: ClinVar variation 4721537 (VCV004721537.1).